The following is an entry in ClinVar:

ClinVar aggregate classification (germline): Pathogenic/Likely pathogenic. Review status: criteria provided, multiple submitters, no conflicts (2 of 4 stars). 16 submissions from 16 submitters: Pathogenic (11); Likely pathogenic (1). 4 of the submissions do not count toward it. Last evaluated 2025-12-14.

Conditions:
MTM1-related disorder. Also called: MTM1-related condition.
Centronuclear myopathy (CNM). Also called: Centronuclear myopathy, congenital; Myotubular myopathy. Identifiers: Orphanet 595, MedGen C0175709, MONDO:0018947. Inheritance: All.
Severe X-linked myotubular myopathy (CNMX). Also called: Myotubular myopathy, X-linked; MYOTUBULAR MYOPATHY 1; X-linked centronuclear myopathy. Identifiers: Orphanet 596, MedGen C0410203, MONDO:0010683, OMIM 310400.

Allele frequency attached by ClinVar (database versions not stated): gnomAD exomes below 0.00001.
gnomAD v4.1: 2 of 1,197,713 alleles (0.00017%); highest among the groups gnomAD compares: Non-Finnish European, 0.00023%; no homozygotes.

Submissions (16):

Mayo Clinic Laboratories, Mayo Clinic
Classification: Pathogenic. Last evaluated: 2025-12-14. Review status: criteria provided, single submitter. Criteria: ACMG Guidelines, 2015. Collection method: clinical testing. Allele origin: germline. Observed: 1 variant allele.
Comment: PP3, PP4, PM2_supporting, PM4, PS2, PS4

Labcorp Genetics (formerly Invitae), Labcorp
Classification: Pathogenic for Severe X-linked myotubular myopathy. Last evaluated: 2025-06-04. Review status: criteria provided, single submitter. Criteria: Invitae Variant Classification Sherloc (09022015). Collection method: clinical testing. Allele origin: germline.
Comment: This sequence change falls in intron 11 of the MTM1 gene. It does not directly change the encoded amino acid sequence of the MTM1 protein. This variant is not present in population databases (gnomAD no frequency). This variant has been observed in individuals with myotubular myopathy (PMID: 9285787, 9450905, 10502779, 15725586, 20358311). It has also been observed to segregate with disease in related individuals. This variant is also known as IVS12-10A>G and A(1315-10)G. ClinVar contains an entry for this variant (Variation ID: 11058). Algorithms developed to predict the effect of sequence changes on RNA splicing suggest that this variant may disrupt the consensus splice site. For these reasons, this variant has been classified as Pathogenic.

Genomic Medicine Center of Excellence, King Faisal Specialist Hospital and Research Centre
Classification: Pathogenic for Severe X-linked myotubular myopathy. Last evaluated: 2024-03-17. Review status: criteria provided, single submitter. Criteria: ACMG Guidelines, 2015. Collection method: research. Allele origin: germline.

Clinical Genetics Laboratory, Skane University Hospital Lund
Classification: Pathogenic. Last evaluated: 2024-03-08. Review status: criteria provided, single submitter. Criteria: ACMG Guidelines, 2015. Collection method: clinical testing. Allele origin: germline. Affected: yes.

Muscle and Diseases Team, Institut de Génétique et Biologie Moléculaire et Cellulaire
Classification: Pathogenic for Centronuclear myopathy. Last evaluated: 2024-03-01. Review status: criteria provided, single submitter. Criteria: ACMG Guidelines, 2015. Collection method: research. Allele origin: unknown. Affected: yes. Observed: 1 variant allele.
Comment: PS3+PS4+PM1+PM2+PP3+PP5

Baylor Genetics
Classification: Pathogenic for Severe X-linked myotubular myopathy. Last evaluated: 2023-08-21. Review status: criteria provided, single submitter. Criteria: ACMG Guidelines, 2015. Collection method: clinical testing. Allele origin: unknown.

GeneDx
Classification: Pathogenic. Last evaluated: 2022-11-09. Review status: criteria provided, single submitter. Criteria: GeneDx Variant Classification Process June 2021. Collection method: clinical testing. Allele origin: germline. Affected: yes.
Comment: Published functional studies show that c.1261-10 A>G results in reduced MTM1 mRNA expression and absent MTM1 protein on Western blot of a patient muscle biopsy (Falcone et al., 2014); Published RNA studies show that this variant creates a new acceptor splice site that results in the addition of three amino acids to the transcript (de Gouyon et al., 1997); Not observed in large population cohorts (gnomAD); This variant is associated with the following publications: (PMID: 10063835, 15725586, 34440373, 28685322, 31395954, 10790201, 9829274, 12522554, 9305655, 10502779, 10323249, 11793470, 9285787, 20358311, 27017278, 27600705, 33164942, 25262827)

Laboratory of Medical Genetics, National & Kapodistrian University of Athens
Classification: Likely pathogenic for Severe X-linked myotubular myopathy. Last evaluated: 2022-09-21. Review status: criteria provided, single submitter. Criteria: ACMG Guidelines, 2015. Collection method: clinical testing. Allele origin: germline. Affected: yes.
Comment: PM2, PP3, PP5

Women's Health and Genetics/Laboratory Corporation of America, LabCorp
Classification: Pathogenic for Severe X-linked myotubular myopathy. Last evaluated: 2021-04-29. Review status: criteria provided, single submitter. Criteria: LabCorp Variant Classification Summary - May 2015. Collection method: clinical testing. Allele origin: germline.
Comment: Variant summary: MTM1 c.1261-10A>G alters a non-conserved nucleotide located close to a canonical splice site and therefore could affect mRNA splicing, leading to a significantly altered protein sequence. Several computational tools predict a significant impact on normal splicing: Two predict that the variant creates a new 3-prime acceptor site. These predictions have been corroborated by several publications reporting experimental evidence that this variant affects mRNA splicing (e.g. deGouyon_1997, Nishino_1998). The variant was absent in 183100 control chromosomes. c.1261-10A>G has been reported in the literature in multiple individuals affected with Severe X-Linked Myotubular Myopathy (e.g.deGouyon_1997, Nishino_1998, Bijarnia_2010). These data indicate that the variant is very likely to be associated with disease. Three other clinical diagnostic laboratories have submitted clinical-significance assessments for this variant to ClinVar after 2014 without evidence for independent evaluation. All laboratories cited the variant as pathogenic. Based on the evidence outlined above, the variant was classified as pathogenic.

Rady Children's Institute for Genomic Medicine, Rady Children's Hospital San Diego
Classification: Pathogenic for MYOPATHY, CENTRONUCLEAR, X-LINKED. Last evaluated: 2020-06-24. Review status: criteria provided, single submitter. Criteria: ACMG Guidelines, 2015. Collection method: clinical testing. Allele origin: germline. Affected: yes.
Comment: This variant represents a recurrent intronic alteration that has been previously reported as a hemizygous change in several males affected with X-linked myotubular myopathy (PMID: 9285787, 20358311, 10502779, 15725586, 9450905). In several of the reported individuals a diagnosis of myotubular myopathy was confirmed on muscle biopsy (PMID: 9285787, 20358311). This variant is also known as IVS12-10A>G and A(1315-10)G in the literature. It is absent from the gnomAD population database and thus is presumed to be rare. Multiple splice prediction tools suggest that this variant is likely to interfere with normal splicing. Splicing studies have shown that this variant creates a new acceptor splice site leading to the inclusion of nine nucleotides of intron 11 (PMID: 9450905, 9285787). Based on the available evidence, the c.1261-10A>G variant is classified as Pathogenic.

Institute of Human Genetics Munich, TUM University Hospital
Classification: Pathogenic for Severe X-linked myotubular myopathy. Last evaluated: 2017-12-13. Review status: criteria provided, single submitter. Criteria: Classification criteria August 2017. Collection method: clinical testing. Allele origin: maternal. Inheritance: X-linked inheritance. Affected: yes. Observed: 1 hemizygote.

Genetic Services Laboratory, University of Chicago
Classification: Pathogenic for Myotubular myopathy, X-linked. Last evaluated: 2013-02-08. Review status: criteria provided, single submitter. Criteria: ACMG Guidelines, 2007. Collection method: clinical testing. Allele origin: germline. Inheritance: X-linked inheritance. Affected: yes.

PreventionGenetics, part of Exact Sciences
Classification: Pathogenic for MTM1-related condition. Last evaluated: 2024-08-01. Review status: no assertion criteria provided. Collection method: clinical testing. Allele origin: germline. Not counted in ClinVar's aggregate classification.
Comment: The MTM1 c.1261-10A>G variant is predicted to interfere with splicing. This variant has been reported in several male patients with X-linked myotubular myopathy (reported as IVS12-10A>G in de Gouyon et al 1997. PubMed ID: 9285787; Tsai et al. 2005. PubMed ID: 15725586; Bijarnia et al. 2010. PubMed ID: 20358311; Laporte. 2000. PubMed ID: 10790201; Table S1, Biancalana et al. 2017. PubMed ID: 28685322; Gangfuss et al. 2021. PubMed ID: 33164942). This variant was also reported in at least one female carrier who presented with muscle weakness, pseudo-bulbar symptoms, and skeletal joints related issues (Table S1, Biancalana et al. 2017. PubMed ID: 28685322). RNA studies support that the c.1261-10A>G variant affects RNA spicing (de Gouyon et al 1997. PubMed ID: 9285787, see Figure 2). This variant has not been reported in a large population database, indicating this variant is rare. This variant is interpreted as pathogenic.

Clinical Molecular Genetics Laboratory, Johns Hopkins All Children's Hospital
Classification: Pathogenic for Severe X-linked myotubular myopathy. Last evaluated: 2010-01-29. Review status: no assertion criteria provided. Collection method: clinical testing. Allele origin: germline. Affected: yes. Not counted in ClinVar's aggregate classification.

OMIM
Classification: Pathogenic for MYOTUBULAR MYOPATHY, X-LINKED. Last evaluated: 2000-01-01. Review status: no assertion criteria provided. Collection method: literature only. Allele origin: germline. Not counted in ClinVar's aggregate classification.

GeneReviews
No classification provided. Condition: Severe X-linked myotubular myopathy. Review status: no classification provided. Collection method: literature only. Allele origin: germline. Not counted in ClinVar's aggregate classification.

Literature cited by the submitters: PubMed 20358311 (cited by 3 submitters); PubMed 33164942 (cited by Mayo Clinic Laboratories, Mayo Clinic); PubMed 34440373 (cited by Mayo Clinic Laboratories, Mayo Clinic); PubMed 37176116 (cited by Mayo Clinic Laboratories, Mayo Clinic); PubMed 9285787 (cited by 3 submitters); PubMed 9450905 (cited by Labcorp Genetics (formerly Invitae), Labcorp and OMIM); PubMed 10502779 (cited by Labcorp Genetics (formerly Invitae), Labcorp); PubMed 15725586 (cited by Labcorp Genetics (formerly Invitae), Labcorp); DOI 10.1186/s13073-024-01353-0 (cited by Muscle and Diseases Team, Institut de Génétique et Biologie Moléculaire et Cellulaire); PubMed 9829274 (cited by Women's Health and Genetics/Laboratory Corporation of America, LabCorp); PubMed 10790201 (cited by OMIM); PubMed 11793470 (cited by GeneReviews).

NM_000252.3(MTM1):c.1261-10A>G

Gene: MTM1 (myotubularin 1; plus strand). Cytogenetic location: Xq28.
Variant type: single nucleotide variant.
Coding change: c.1261-10A>G on transcript NM_000252.3 (MANE Select); 10 bases into the intron before coding-DNA position 1261, A replaced by G.
Molecular consequence: intron variant.
Genome position (GRCh38, 1-based): chrX:150,659,654, A>G. VCF-style: chrX-150659654-A-G. GRCh37 (hg19) VCF-style: chrX-149828127-A-G.
Other names: p.?; IVS11, A-G, -10; c.1261-10A>G (NM_001376908.1, NM_001376906.1); c.1150-10A>G (NM_001376907.1).
Identifiers: ClinVar variation 11058 (VCV000011058.29), dbSNP rs397518445, ClinGen allele CA255669.